The following is an entry in ClinVar:

ClinVar aggregate classification (germline): Uncertain significance. Review status: criteria provided, single submitter (1 of 4 stars). 2 submissions from 2 submitters: Uncertain significance (1). 1 of the submissions does not count toward it. Last evaluated 2021-08-12.

Conditions:
Cardiovascular phenotype. Identifiers: MedGen CN230736.
ABCG8-related disorder. Also called: ABCG8-related condition.

Submissions (2):

Ambry Genetics
Classification: Uncertain significance for Cardiovascular phenotype. Last evaluated: 2021-08-12. Review status: criteria provided, single submitter. Criteria: Ambry Variant Classification Scheme 2023. Collection method: clinical testing. Allele origin: germline.
Comment: The p.G215R variant (also known as c.643G>A), located in coding exon 5 of the ABCG8 gene, results from a G to A substitution at nucleotide position 643. The glycine at codon 215 is replaced by arginine, an amino acid with dissimilar properties. This amino acid position is conserved. In addition, this alteration is predicted to be deleterious by in silico analysis. Since supporting evidence is limited at this time, the clinical significance of this alteration remains unclear.

PreventionGenetics, part of Exact Sciences
Classification: Uncertain significance for ABCG8-related condition. Last evaluated: 2024-02-02. Review status: no assertion criteria provided. Collection method: clinical testing. Allele origin: germline. Not counted in ClinVar's aggregate classification.
Comment: The ABCG8 c.643G>A variant is predicted to result in the amino acid substitution p.Gly215Arg. To our knowledge, this variant has not been reported in the literature or in a large population database, indicating this variant is rare. Of note, a different substitution at the same codon, defined as c.644G>T (p.Gly215Val), has been reported in an individual with sitosterolemia and classified as a variant of uncertain significance (VUS) (Supp Table 4 of Dron et al. 2020. PubMed ID: 32041611). At this time, the clinical significance of the c.643G>A (p.Gly215Arg) variant is uncertain due to the absence of conclusive functional and genetic evidence.

NM_022437.3(ABCG8):c.643G>A (p.Gly215Arg)

Gene: ABCG8 (ATP binding cassette subfamily G member 8; plus strand). Cytogenetic location: 2p21.
Variant type: single nucleotide variant.
Coding change: c.643G>A on transcript NM_022437.3 (MANE Select); coding-DNA position 643, G replaced by A.
Protein change: p.Gly215Arg; replaces glycine 215 with arginine.
Molecular consequence: missense variant.
Genome position (GRCh38, 1-based): chr2:43,852,435, G>A. VCF-style: chr2-43852435-G-A. GRCh37 (hg19) VCF-style: chr2-44079574-G-A.
Other names: c.643G>A, p.Gly215Arg (NM_001357321.2); short protein forms G215R.
Identifiers: ClinVar variation 1753540 (VCV001753540.4), dbSNP rs2466201953, ClinGen allele CA346666085.
Genomic context (GRCh38, chr2:43,852,435, plus strand): 5'-CTGCGGCTTAGGCAGTGCGCTGACACCCGCGTGGGCAACATGTACGTGCGGGGGTTGTCG[G>A]GGGGTGAGCGCAGGAGAGTCAGCATTGGGGTGCAGCTCCTGTGGAACCCAGGTGAGGGCC-3'
Protein context (NP_071882.1, residues 205-225): VGNMYVRGLS[Gly215Arg]GERRRVSIGV